The following is an entry in ClinVar:

ClinVar aggregate classification (germline): Uncertain significance (1 of 4 stars; one submission).

Conditions:
Immunodeficiency, common variable, 4. Also called: ANTIBODY DEFICIENCY DUE TO BAFFR DEFECT. Identifiers: Orphanet 1572, Orphanet 696925, MedGen C3150739, MONDO:0013284, OMIM 613494.

Submission:

Labcorp Genetics (formerly Invitae), Labcorp
Classification: Uncertain significance for Immunodeficiency, common variable, 4. Last evaluated: 2017-08-17. Review status: criteria provided, single submitter. Criteria: Invitae Variant Classification Sherloc (09022015). Collection method: clinical testing. Allele origin: germline.
Comment: A gross deletion of the genomic region encompassing the full coding sequence of the TNFRSF13C gene has been identified. The boundaries of this event are unknown as the deletion extends beyond the assayed region for this gene and therefore may encompass additional genes. This gross deletion has not been reported in the literature in individuals with TNFRSF13C-related disease. However, a smaller in-frame deletion (known as del 89-96), which is encompassed within this deletion has been reported in individuals from a single family affected with late onset common variable immunodeficiency (CVID) (PMID: 19666484). In summary, the available evidence is currently insufficient to determine the role of this variant in disease. Therefore, it has been classified as a Variant of Uncertain Significance.

Literature cited by the submitters: PubMed 19666484.

NC_000022.11:g.(?_41301335)_(42070317_?)del

Genes: ACO2 (aconitase 2; plus strand), CCDC134 (coiled-coil domain containing 134; plus strand), SNU13 (small nuclear ribonucleoprotein 13; minus strand), SREBF2 (sterol regulatory element binding transcription factor 2; plus strand), SREBF2-AS1 (SREBF2 antisense RNA 1; minus strand) and 75 more. Cytogenetic location: 22q13.2.
Variant type: Deletion.
Identifiers: ClinVar variation 538825 (VCV000538825.7).